The following is an entry in ClinVar:

ClinVar aggregate classification (germline): Uncertain significance (1 of 4 stars; one submission).

Allele frequency attached by ClinVar (database versions not stated): TOPMed below 0.00001.

Submission:

Labcorp Genetics (formerly Invitae), Labcorp
Classification: Uncertain significance. Last evaluated: 2025-08-31. Review status: criteria provided, single submitter. Criteria: Invitae Variant Classification Sherloc (09022015). Collection method: clinical testing. Allele origin: germline.
Comment: This sequence change replaces valine, which is neutral and non-polar, with isoleucine, which is neutral and non-polar, at codon 892 of the LONP1 protein (p.Val892Ile). This variant is not present in population databases (gnomAD no frequency). This variant has not been reported in the literature in individuals affected with LONP1-related conditions. ClinVar contains an entry for this variant (Variation ID: 2052819). Invitae Evidence Modeling of protein sequence and biophysical properties (such as structural, functional, and spatial information, amino acid conservation, physicochemical variation, residue mobility, and thermodynamic stability) indicates that this missense variant is not expected to disrupt LONP1 protein function with a negative predictive value of 95%. In summary, the available evidence is currently insufficient to determine the role of this variant in disease. Therefore, it has been classified as a Variant of Uncertain Significance.

NM_004793.4(LONP1):c.2674G>A (p.Val892Ile)

Gene: LONP1 (lon peptidase 1, mitochondrial; minus strand). Cytogenetic location: 19p13.3.
Variant type: single nucleotide variant.
Coding change: c.2674G>A on transcript NM_004793.4 (MANE Select); coding-DNA position 2674, G replaced by A.
Protein change: p.Val892Ile; replaces valine 892 with isoleucine.
Molecular consequence: missense variant. On other transcripts: non-coding transcript variant (1).
Genome position (GRCh38, 1-based): chr19:5,693,327, C>T on the plus strand (G>A on the coding strand, the complement: LONP1 is on the minus strand). VCF-style: chr19-5693327-C-T. GRCh37 (hg19) VCF-style: chr19-5693338-C-T.
Other names: c.2482G>A, p.Val828Ile (NM_001276479.2); c.2086G>A, p.Val696Ile (NM_001276480.1); short protein forms V696I, V828I, V892I.
Identifiers: ClinVar variation 2052819 (VCV002052819.4), dbSNP rs1192610597, ClinGen allele CA403525661.
Genomic context (GRCh38, chr19:5,693,327, plus strand): 5'-AGTGCTGTGGGGTGGGTACAGGGACACTCACCGCAATGGTCTTCTCCTTGATGCCACCAA[C>T]AGGCAGGATCTTGCCCGTGAGGGAGACTTCGCCAGTCATGGCCAGATTCTGCCGGACAGG-3'
Protein context (NP_004784.2, residues 882-902): EVSLTGKILP[Val892Ile]GGIKEKTIAA